The following is an entry in ClinVar:

NM_001356.5(DDX3X):c.1522T>C (p.Ser508Pro)

Gene: DDX3X (DEAD-box helicase 3 X-linked; plus strand). Cytogenetic location: Xp11.4.
Variant type: single nucleotide variant.
Coding change: c.1522T>C on transcript NM_001356.5 (MANE Select); coding-DNA position 1522, T replaced by C.
Protein change: p.Ser508Pro; replaces serine 508 with proline.
Molecular consequence: missense variant. On other transcripts: non-coding transcript variant (1).
Genome position (GRCh38, 1-based): chrX:41,346,529, T>C. VCF-style: chrX-41346529-T-C. GRCh37 (hg19) VCF-style: chrX-41205782-T-C.
Other names: c.1522T>C, p.Ser508Pro (NM_001193416.3); c.1474T>C, p.Ser492Pro (NM_001193417.3); c.964T>C, p.Ser322Pro (NM_001363819.1); short protein forms S322P, S492P, S508P.
Identifiers: ClinVar variation 2816337 (VCV002816337.3), dbSNP rs2519524065, ClinGen allele CA412776225.

ClinVar aggregate classification (germline): Uncertain significance (1 of 4 stars; one submission).

Submission:

Labcorp Genetics (formerly Invitae), Labcorp
Classification: Uncertain significance. Last evaluated: 2022-11-24. Review status: criteria provided, single submitter. Criteria: Invitae Variant Classification Sherloc (09022015). Collection method: clinical testing. Allele origin: germline.
Comment: In summary, the available evidence is currently insufficient to determine the role of this variant in disease. Therefore, it has been classified as a Variant of Uncertain Significance. This sequence change replaces serine, which is neutral and polar, with proline, which is neutral and non-polar, at codon 508 of the DDX3X protein (p.Ser508Pro). This variant is not present in population databases (gnomAD no frequency). This variant has not been reported in the literature in individuals affected with DDX3X-related conditions. Algorithms developed to predict the effect of missense changes on protein structure and function are either unavailable or do not agree on the potential impact of this missense change (SIFT: "Tolerated"; PolyPhen-2: "Not Available"; Align-GVGD: "Class C0").